The following is an entry in ClinVar:

ClinVar aggregate classification (germline): Uncertain significance (1 of 4 stars; one submission).

Conditions:
Hypomyelination and Congenital Cataract (HLD5). Also called: hypomyelinating leukodystrophy 5. Identifiers: Orphanet 85163, MedGen C1864663, MONDO:0012514, OMIM 610532.

gnomAD v4.1: 1 of 1,613,836 alleles (0.000062%); highest among the groups gnomAD compares: African/African-American, 0.0013%; no homozygotes.

Submission:

Labcorp Genetics (formerly Invitae), Labcorp
Classification: Uncertain significance for Hypomyelination and Congenital Cataract. Last evaluated: 2022-03-11. Review status: criteria provided, single submitter. Criteria: Invitae Variant Classification Sherloc (09022015). Collection method: clinical testing. Allele origin: germline.
Comment: This variant has not been reported in the literature in individuals affected with FAM126A-related conditions. This sequence change replaces valine, which is neutral and non-polar, with leucine, which is neutral and non-polar, at codon 470 of the FAM126A protein (p.Val470Leu). This variant is present in population databases (no rsID available, gnomAD 0.006%). Algorithms developed to predict the effect of missense changes on protein structure and function (SIFT, PolyPhen-2, Align-GVGD) all suggest that this variant is likely to be tolerated. In summary, the available evidence is currently insufficient to determine the role of this variant in disease. Therefore, it has been classified as a Variant of Uncertain Significance.

NM_032581.4(HYCC1):c.1408G>C (p.Val470Leu)

Gene: HYCC1 (hyccin PI4KA lipid kinase complex subunit 1; minus strand). Cytogenetic location: 7p15.3.
Variant type: single nucleotide variant.
Coding change: c.1408G>C on transcript NM_032581.4 (MANE Select); coding-DNA position 1408, G replaced by C.
Protein change: p.Val470Leu; replaces valine 470 with leucine.
Molecular consequence: missense variant. On other transcripts: 3 prime UTR variant (2).
Genome position (GRCh38, 1-based): chr7:22,945,747, C>G on the plus strand (G>C on the coding strand, the complement: HYCC1 is on the minus strand). VCF-style: chr7-22945747-C-G. GRCh37 (hg19) VCF-style: chr7-22985366-C-G.
Other names: c.*444G>C (NM_001363466.2); c.*402G>C (NM_001363467.2); short protein forms V470L.
Identifiers: ClinVar variation 1973611 (VCV001973611.4), dbSNP rs1220901771, ClinGen allele CA366969776.